The following is an entry in ClinVar:

ClinVar aggregate classification (germline): Likely benign (1 of 4 stars; one submission).

Allele frequency attached by ClinVar (database versions not stated): 1000 Genomes Project 0.00300; TOPMed 0.00467; 1000 Genomes Project 30x 0.00547; gnomAD exomes 0.00793; gnomAD 0.00795.
gnomAD v4.1: 9,143 of 1,154,898 alleles (0.79%); highest among the groups gnomAD compares: Non-Finnish European, 0.76%; 94 homozygotes.

Submission:

CeGaT Center for Human Genetics Tuebingen
Classification: Likely benign. Last evaluated: 2023-02-01. Review status: criteria provided, single submitter. Criteria: CeGaT Center For Human Genetics Tuebingen Variant Classification Criteria Version 2. Collection method: clinical testing. Allele origin: germline. Affected: yes. Observed: 1 variant allele.
Comment: TCF7L1: PP2, PP3, BS2

NM_031283.3(TCF7L1):c.34G>A (p.Gly12Ser)

Gene: TCF7L1 (transcription factor 7 like 1; plus strand). Cytogenetic location: 2p11.2.
Variant type: single nucleotide variant.
Coding change: c.34G>A on transcript NM_031283.3 (MANE Select); coding-DNA position 34, G replaced by A.
Protein change: p.Gly12Ser; replaces glycine 12 with serine.
Molecular consequence: missense variant.
Genome position (GRCh38, 1-based): chr2:85,133,718, G>A. VCF-style: chr2-85133718-G-A. GRCh37 (hg19) VCF-style: chr2-85360841-G-A.
Other names: short protein forms G12S.
Identifiers: ClinVar variation 2651091 (VCV002651091.24), dbSNP rs534725385, ClinGen allele CA1738541.